The following is an entry in ClinVar:

ClinVar aggregate classification (germline): Uncertain significance. Review status: criteria provided, multiple submitters, no conflicts (2 of 4 stars). 2 submissions from 2 submitters: Uncertain significance (2). Last evaluated 2025-09-02.

Conditions:
Cardiovascular phenotype. Identifiers: MedGen CN230736.

Submissions (2):

Labcorp Genetics (formerly Invitae), Labcorp
Classification: Uncertain significance. Last evaluated: 2025-09-02. Review status: criteria provided, single submitter. Criteria: Invitae Variant Classification Sherloc (09022015). Collection method: clinical testing. Allele origin: germline.
Comment: This sequence change replaces leucine, which is neutral and non-polar, with phenylalanine, which is neutral and non-polar, at codon 1257 of the ALPK3 protein (p.Leu1257Phe). This variant is not present in population databases (gnomAD no frequency). This variant has not been reported in the literature in individuals affected with ALPK3-related conditions. ClinVar contains an entry for this variant (Variation ID: 1734733). Invitae Evidence Modeling of protein sequence and biophysical properties (such as structural, functional, and spatial information, amino acid conservation, physicochemical variation, residue mobility, and thermodynamic stability) indicates that this missense variant is expected to disrupt ALPK3 protein function with a positive predictive value of 80%. In summary, the available evidence is currently insufficient to determine the role of this variant in disease. Therefore, it has been classified as a Variant of Uncertain Significance.

Ambry Genetics
Classification: Uncertain significance for Cardiovascular phenotype. Last evaluated: 2020-03-30. Review status: criteria provided, single submitter. Criteria: Ambry Variant Classification Scheme 2023. Collection method: clinical testing. Allele origin: germline.
Comment: The p.L1257F variant (also known as c.3769C>T), located in coding exon 6 of the ALPK3 gene, results from a C to T substitution at nucleotide position 3769. The leucine at codon 1257 is replaced by phenylalanine, an amino acid with highly similar properties. This amino acid position is well conserved in available vertebrate species. In addition, this alteration is predicted to be tolerated by in silico analysis. Since supporting evidence is limited at this time, the clinical significance of this alteration remains unclear.

NM_020778.5(ALPK3):c.3163C>T (p.Leu1055Phe)

Gene: ALPK3 (alpha kinase 3; plus strand). Cytogenetic location: 15q25.3.
Variant type: single nucleotide variant.
Coding change: c.3163C>T on transcript NM_020778.5 (MANE Select); coding-DNA position 3163, C replaced by T.
Protein change: p.Leu1055Phe; replaces leucine 1055 with phenylalanine.
Molecular consequence: missense variant.
Genome position (GRCh38, 1-based): chr15:84,857,901, C>T. VCF-style: chr15-84857901-C-T. GRCh37 (hg19) VCF-style: chr15-85401132-C-T.
Other names: short protein forms L1055F.
Identifiers: ClinVar variation 1734733 (VCV001734733.3), dbSNP rs2505721417, ClinGen allele CA393359725.